The following is an entry in ClinVar:

ClinVar aggregate classification (germline): Uncertain significance (1 of 4 stars; one submission).

gnomAD v4.1: 7 of 1,608,928 alleles (0.00044%); highest among the groups gnomAD compares: South Asian, 0.0022%; no homozygotes.

Submission:

Women's Health and Genetics/Laboratory Corporation of America, LabCorp
Classification: Uncertain significance. Last evaluated: 2024-10-28. Review status: criteria provided, single submitter. Criteria: LabCorp Variant Classification Summary - May 2015. Collection method: clinical testing. Allele origin: germline.
Comment: Variant summary: RAD21 c.1348C>T (p.Arg450Cys) results in a non-conservative amino acid change in the encoded protein sequence. Three of five in-silico tools predict a benign effect of the variant on protein function. The variant allele was found at a frequency of 4e-06 in 250792 control chromosomes. The available data on variant occurrences in the general population are insufficient to allow any conclusion about variant significance. c.1348C>T has been reported in the literature in individuals affected with multiple peripheral sclerocornea but not Cornelia De Lange Syndrome 4 (Zhang_2019). These report(s) do not provide unequivocal conclusions about association of the variant with Cornelia De Lange Syndrome 4. An experimental study has been performed in Xenopus laevis and injection of mutant mRNAs results in disorganized corneal stroma and decreased diameters of collagen fibrils in the Xenopus laevis eyes (Zhang_2019). The following publications have been ascertained in the context of this evaluation (PMID: 31781308, 31173765). No submitters have cited clinical-significance assessments for this variant to ClinVar. Based on the evidence outlined above, the variant was classified as uncertain significance.

Literature cited by the submitters: PubMed 27391574; PubMed 27554164; PubMed 29288251; PubMed 24220272; PubMed 24487413; PubMed 24904756; PubMed 24335498; PubMed 25006131; PubMed 27276561; PubMed 31781308; PubMed 31173765.

NM_006265.3(RAD21):c.1348C>T (p.Arg450Cys)

Gene: RAD21 (RAD21 cohesin complex component; minus strand). Cytogenetic location: 8q24.11.
Variant type: single nucleotide variant.
Coding change: c.1348C>T on transcript NM_006265.3 (MANE Select); coding-DNA position 1348, C replaced by T.
Protein change: p.Arg450Cys; replaces arginine 450 with cysteine.
Molecular consequence: missense variant.
Genome position (GRCh38, 1-based): chr8:116,852,070, G>A on the plus strand (C>T on the coding strand, the complement: RAD21 is on the minus strand). VCF-style: chr8-116852070-G-A. GRCh37 (hg19) VCF-style: chr8-117864309-G-A.
Other names: short protein forms R450C.
Identifiers: ClinVar variation 3385001 (VCV003385001.1).